The following is an entry in ClinVar:

ClinVar aggregate classification (germline): Uncertain significance. Review status: criteria provided, multiple submitters, no conflicts (2 of 4 stars). 3 submissions from 3 submitters: Uncertain significance (3). Last evaluated 2024-08-29.

Conditions:
Inborn genetic diseases. Identifiers: MedGen C0950123, MeSH D030342.

Allele frequency attached by ClinVar (database versions not stated): gnomAD exomes 0.00005; ExAC 0.00011; TOPMed 0.00013; gnomAD 0.00015 and 0.00017.
gnomAD v4.1: 210 of 1,562,300 alleles (0.013%); highest among the groups gnomAD compares: Non-Finnish European, 0.018%; 1 homozygote.

Submissions (3):

Blueprint Genetics
Classification: Uncertain significance. Last evaluated: 2024-08-29. Review status: criteria provided, single submitter. Criteria: ACMG Guidelines, 2015. Collection method: clinical testing. Allele origin: germline.

Ambry Genetics
Classification: Uncertain significance for Inborn genetic diseases. Last evaluated: 2023-09-29. Review status: criteria provided, single submitter. Criteria: Ambry Variant Classification Scheme 2023. Collection method: clinical testing. Allele origin: germline.

Labcorp Genetics (formerly Invitae), Labcorp
Classification: Uncertain significance. Last evaluated: 2022-10-24. Review status: criteria provided, single submitter. Criteria: Invitae Variant Classification Sherloc (09022015). Collection method: clinical testing. Allele origin: germline.
Comment: This sequence change replaces glycine, which is neutral and non-polar, with alanine, which is neutral and non-polar, at codon 87 of the TANGO2 protein (p.Gly87Ala). This variant is present in population databases (rs751720670, gnomAD 0.02%). This variant has not been reported in the literature in individuals affected with TANGO2-related conditions. ClinVar contains an entry for this variant (Variation ID: 1348914). Algorithms developed to predict the effect of missense changes on protein structure and function are either unavailable or do not agree on the potential impact of this missense change (SIFT: "Not Available"; PolyPhen-2: "Possibly Damaging"; Align-GVGD: "Not Available"). In summary, the available evidence is currently insufficient to determine the role of this variant in disease. Therefore, it has been classified as a Variant of Uncertain Significance.

NM_152906.7(TANGO2):c.260G>C (p.Gly87Ala)

Gene: TANGO2 (transport and golgi organization 2 homolog; plus strand). Cytogenetic location: 22q11.21.
Variant type: single nucleotide variant.
Coding change: c.260G>C on transcript NM_152906.7 (MANE Select); coding-DNA position 260, G replaced by C.
Protein change: p.Gly87Ala; replaces glycine 87 with alanine.
Molecular consequence: missense variant. On other transcripts: non-coding transcript variant (5).
Genome position (GRCh38, 1-based): chr22:20,052,579, G>C. VCF-style: chr22-20052579-G-C. GRCh37 (hg19) VCF-style: chr22-20040102-G-C.
Other names: c.260G>C, p.Gly87Ala (NM_001283106.3, NM_001283116.3, NM_001283148.3 and 10 more transcripts); c.383G>C, p.Gly128Ala (NM_001283129.3, NM_001283215.3, NM_001322141.2 and 5 more transcripts); c.81G>C, p.Arg27Ser (NM_001283235.3, NM_001322146.2, NM_001322148.2 and 9 more transcripts); c.260G>C (NM_152906.4); short protein forms G128A, G87A, R27S.
Identifiers: ClinVar variation 1348914 (VCV001348914.7), dbSNP rs751720670, ClinGen allele CA10106246.